The following is an entry in ClinVar:

NM_001004754.3(OR51I2):c.176T>C (p.Met59Thr)

Genes: OR51B5 (olfactory receptor family 51 subfamily B member 5; minus strand), OR51I2 (olfactory receptor family 51 subfamily I member 2; plus strand). Cytogenetic location: 11p15.4.
Variant type: single nucleotide variant.
Coding change: c.176T>C on transcript NM_001004754.3 (MANE Select); coding-DNA position 176, T replaced by C.
Protein change: p.Met59Thr; replaces methionine 59 with threonine.
Molecular consequence: missense variant. On other transcripts: intron variant (1).
Genome position (GRCh38, 1-based): chr11:5,453,664, T>C. VCF-style: chr11-5453664-T-C. GRCh37 (hg19) VCF-style: chr11-5474894-T-C.
Other names: c.-360+51905A>G (NM_001005567.3); short protein forms M59T.
Identifiers: ClinVar variation 1289823 (VCV001289823.5), dbSNP rs74049540, ClinGen allele CA5842488.

ClinVar aggregate classification (germline): Benign. Review status: criteria provided, multiple submitters, no conflicts (2 of 4 stars). 2 submissions from 2 submitters: Benign (2). Last evaluated 2020-10-29.

Allele frequency attached by ClinVar (database versions not stated): gnomAD 0.05351 and 0.04995; ExAC 0.01570; 1000 Genomes Project 0.05811; 1000 Genomes Project 30x 0.06027; gnomAD exomes 0.01290; TOPMed 0.05479; ESP Exome Variant Server 0.05525.
gnomAD v4.1: 15,081 of 1,613,466 alleles (0.93%); highest among the groups gnomAD compares: African/African-American, 17%; 1,217 homozygotes.

Submissions (2):

GeneDx
Classification: Benign. Last evaluated: 2020-10-29. Review status: criteria provided, single submitter. Criteria: GeneDx Variant Classification Process June 2021. Collection method: clinical testing. Allele origin: germline. Affected: yes.
Comment: This variant is associated with the following publications: (PMID: 30924900)

Breakthrough Genomics
Classification: Benign. Review status: criteria provided, single submitter. Criteria: ACMG Guidelines, 2015. Collection method: not provided. Allele origin: germline. Inheritance: Unknown mechanism. Affected: yes.